The following is an entry in ClinVar:

NM_015662.3(IFT172):c.2744A>G (p.Tyr915Cys)

Genes: IFT172 (intraflagellar transport 172; minus strand), LOC126806174 (CDK7 strongly-dependent group 2 enhancer GRCh37_chr2:27681686-27682885; plus strand). Cytogenetic location: 2p23.3.
Variant type: single nucleotide variant.
Coding change: c.2744A>G on transcript NM_015662.3 (MANE Select); coding-DNA position 2744, A replaced by G.
Protein change: p.Tyr915Cys; replaces tyrosine 915 with cysteine.
Molecular consequence: missense variant.
Genome position (GRCh38, 1-based): chr2:27,459,421, T>C on the plus strand (A>G on the coding strand, the complement: IFT172 is on the minus strand). VCF-style: chr2-27459421-T-C. GRCh37 (hg19) VCF-style: chr2-27682288-T-C.
Other names: short protein forms Y915C.
Identifiers: ClinVar variation 972067 (VCV000972067.12), dbSNP rs749474609, ClinGen allele CA1580204.

ClinVar aggregate classification (germline): Uncertain significance. Review status: criteria provided, multiple submitters, no conflicts (2 of 4 stars). 4 submissions from 4 submitters: Uncertain significance (4). Last evaluated 2024-05-08.

Conditions:
Retinitis pigmentosa 71 (RP71). Identifiers: Orphanet 791, MedGen C4225342, MONDO:0014618, OMIM 616394.
Short-rib thoracic dysplasia 10 with or without polydactyly (SRTD10). Identifiers: Orphanet 474, MedGen C3810175, MONDO:0014284, OMIM 615630.
Bardet-Biedl syndrome 20. Identifiers: MedGen C4310707, MONDO:0023670, OMIM 619471, MONDO:0014926.

Allele frequency attached by ClinVar (database versions not stated): ExAC 0.00001; TOPMed 0.00002; gnomAD 0.00003 and 0.00004; gnomAD exomes 0.00003 and 0.00004.

Submissions (4):

Fulgent Genetics
Classification: Uncertain significance for Short-rib thoracic dysplasia 10 with or without polydactyly; Retinitis pigmentosa 71; Bardet-Biedl syndrome 20. Last evaluated: 2024-05-08. Review status: criteria provided, single submitter. Criteria: ACMG Guidelines, 2015. Collection method: clinical testing. Allele origin: germline.

GeneDx
Classification: Uncertain significance. Last evaluated: 2024-02-06. Review status: criteria provided, single submitter. Criteria: GeneDx Variant Classification Process June 2021. Collection method: clinical testing. Allele origin: germline. Affected: yes.
Comment: Not observed at significant frequency in large population cohorts (gnomAD); In silico analysis supports that this missense variant has a deleterious effect on protein structure/function; Has not been previously published as pathogenic or benign to our knowledge

Labcorp Genetics (formerly Invitae), Labcorp
Classification: Uncertain significance for Retinitis pigmentosa 71; Short-rib thoracic dysplasia 10 with or without polydactyly. Last evaluated: 2023-12-07. Review status: criteria provided, single submitter. Criteria: Invitae Variant Classification Sherloc (09022015). Collection method: clinical testing. Allele origin: germline.
Comment: This sequence change replaces tyrosine, which is neutral and polar, with cysteine, which is neutral and slightly polar, at codon 915 of the IFT172 protein (p.Tyr915Cys). This variant is present in population databases (rs749474609, gnomAD 0.01%). This variant has not been reported in the literature in individuals affected with IFT172-related conditions. ClinVar contains an entry for this variant (Variation ID: 972067). Advanced modeling of protein sequence and biophysical properties (such as structural, functional, and spatial information, amino acid conservation, physicochemical variation, residue mobility, and thermodynamic stability) performed at Invitae indicates that this missense variant is not expected to disrupt IFT172 protein function with a negative predictive value of 80%. In summary, the available evidence is currently insufficient to determine the role of this variant in disease. Therefore, it has been classified as a Variant of Uncertain Significance.

Blueprint Genetics
Classification: Uncertain significance. Last evaluated: 2023-03-01. Review status: criteria provided, single submitter. Criteria: ACMG Guidelines, 2015. Collection method: clinical testing. Allele origin: germline.